The following is an entry in ClinVar:

ClinVar aggregate classification (germline): Pathogenic (1 of 4 stars; one submission).

Conditions:
Bainbridge-Ropers syndrome. Also called: Severe feeding difficulties-failure to thrive-microcephaly due to ASXL3 deficiency syndrome. Identifiers: Orphanet 352577, MedGen C4750837, MONDO:0014205, OMIM 615485.

Submission:

Victorian Clinical Genetics Services, Murdoch Childrens Research Institute
Classification: Pathogenic for Bainbridge-Ropers syndrome. Last evaluated: 2023-07-17. Review status: criteria provided, single submitter. Criteria: ACMG Guidelines, 2015. Collection method: clinical testing. Allele origin: germline. Inheritance: Autosomal dominant inheritance. Affected: yes.
Comment: Based on the classification scheme VCGS_Germline_v1.3.4, this variant is classified as Pathogenic. Following criteria are met: 0102 - Loss of function is a known mechanism of disease in this gene and is associated with Bainbridge-Ropers syndrome (MIM#615485; PMID: 33151654). Dominant negative has also been suggested as a mechanism (PMID: 23383720). (I) 0107 - This gene is associated with autosomal dominant disease. (I) 0205 - Variant is predicted to result in a truncated protein (premature termination codon is NOT located at least 54 nucleotides upstream of the final exon-exon junction) with less than 1/3 of the protein sequence affected. (SP) 0251 - This variant is heterozygous. (I) 0301 - Variant is absent from gnomAD (both v2 and v3). (SP) 0600 - Variant truncates the annotated PHD-3 domain (DECIPHER). (I) 0701 - Other downstream truncating variants comparable to the one identified in this case have very strong previous evidence for pathogenicity. Nine downstream truncating variants have been classified as pathogenic or likely pathogenic by clinical laboratories in ClinVar, and another two truncating variants have been classified as likely pathogenic and observed as de novo in individuals with ASXL3-related conditions in DECIPHER. (SP) 0807 - This variant has no previous evidence of pathogenicity. (I) 0905 - No published segregation evidence has been identified for this variant. (I) 1007 - No published functional evidence has been identified for this variant. (I) 1102 - Strong phenotype match for this individual. (SP) Legend: (SP) - Supporting pathogenic, (I) - Information, (SB) - Supporting benign

Literature cited by the submitters: PubMed 23383720; PubMed 33151654.

NM_030632.3(ASXL3):c.4958C>G (p.Ser1653Ter)

Gene: ASXL3 (ASXL transcriptional regulator 3; plus strand). Cytogenetic location: 18q12.1.
Variant type: single nucleotide variant.
Coding change: c.4958C>G on transcript NM_030632.3 (MANE Select); coding-DNA position 4958, C replaced by G.
Protein change: p.Ser1653Ter; replaces serine 1653 with a stop codon.
Molecular consequence: nonsense.
Genome position (GRCh38, 1-based): chr18:33,744,806, C>G. VCF-style: chr18-33744806-C-G. GRCh37 (hg19) VCF-style: chr18-31324770-C-G.
Other names: short protein forms S1653*.
Identifiers: ClinVar variation 3255197 (VCV003255197.1), dbSNP rs2510930101.